The following is an entry in ClinVar:

NM_006204.4(PDE6C):c.2098G>A (p.Ala700Thr)

Gene: PDE6C (phosphodiesterase 6C; plus strand). Cytogenetic location: 10q23.33.
Variant type: single nucleotide variant.
Coding change: c.2098G>A on transcript NM_006204.4 (MANE Select); coding-DNA position 2098, G replaced by A.
Protein change: p.Ala700Thr; replaces alanine 700 with threonine.
Molecular consequence: missense variant.
Genome position (GRCh38, 1-based): chr10:93,658,962, G>A. VCF-style: chr10-93658962-G-A. GRCh37 (hg19) VCF-style: chr10-95418719-G-A.
Other names: short protein forms A700T.
Identifiers: ClinVar variation 957175 (VCV000957175.9), dbSNP rs2058653756, ClinGen allele CA377624803.

ClinVar aggregate classification (germline): Uncertain significance (1 of 4 stars; one submission).

Submission:

Labcorp Genetics (formerly Invitae), Labcorp
Classification: Uncertain significance. Last evaluated: 2019-08-30. Review status: criteria provided, single submitter. Criteria: Invitae Variant Classification Sherloc (09022015). Collection method: clinical testing. Allele origin: germline.
Comment: This variant has not been reported in the literature in individuals with PDE6C-related conditions. This sequence change replaces alanine with threonine at codon 700 of the PDE6C protein (p.Ala700Thr). The alanine residue is moderately conserved and there is a small physicochemical difference between alanine and threonine. This variant is not present in population databases (ExAC no frequency). Algorithms developed to predict the effect of missense changes on protein structure and function output the following: SIFT: "Tolerated"; PolyPhen-2: "Benign"; Align-GVGD: "Class C0". The threonine amino acid residue is found in multiple mammalian species, suggesting that this missense change does not adversely affect protein function. These predictions have not been confirmed by published functional studies and their clinical significance is uncertain. In summary, the available evidence is currently insufficient to determine the role of this variant in disease. Therefore, it has been classified as a Variant of Uncertain Significance.